The following is an entry in ClinVar:

ClinVar aggregate classification (germline): Uncertain significance (1 of 4 stars; one submission).

Conditions:
Dyskeratosis congenita. Identifiers: Orphanet 1775, MedGen C0265965, MONDO:0015780.

Submission:

Labcorp Genetics (formerly Invitae), Labcorp
Classification: Uncertain significance for Dyskeratosis congenita. Last evaluated: 2022-08-20. Review status: criteria provided, single submitter. Criteria: Invitae Variant Classification Sherloc (09022015). Collection method: clinical testing. Allele origin: germline.
Comment: In summary, the available evidence is currently insufficient to determine the role of this variant in disease. Therefore, it has been classified as a Variant of Uncertain Significance. This variant has not been reported in the literature in individuals affected with NHP2-related conditions. This variant is not present in population databases (gnomAD no frequency). This sequence change creates a premature translational stop signal (p.Thr124Hisfs*10) in the NHP2 gene. While this is not anticipated to result in nonsense mediated decay, it is expected to disrupt the last 30 amino acid(s) of the NHP2 protein.

NM_017838.4(NHP2):c.369dup (p.Thr124fs)

Genes: RMND5B (required for meiotic nuclear division 5 homolog B; plus strand), NHP2 (NHP2 ribonucleoprotein; minus strand). Cytogenetic location: 5q35.3.
Variant type: Duplication.
Coding change: c.369dup on transcript NM_017838.4 (MANE Select); coding-DNA position 369, one base duplicated (C; older notation c.369dupC).
Protein change: p.Thr124fs; shifts the reading frame from threonine 124.
Molecular consequence: frameshift variant. On other transcripts: 3 prime UTR variant (3).
Genome position (GRCh38, 1-based): chr5:178,149,806, G duplicated on the plus strand (C on the coding strand, the reverse complement: NHP2 is on the minus strand); the first of 4 consecutive G bases (chr5:178,149,806-178,149,809); duplicating any one gives the same sequence. VCF-style (leftmost placement, unchanged base first): chr5-178149805-T-TG. GRCh37 (hg19) VCF-style: chr5-177576806-T-TG.
Other names: c.263dup, p.Pro89fs (NM_001034833.2); c.497dup, p.Pro167fs (NM_001396110.1); c.*1777dup (NM_001288794.2, NM_001288795.2, NM_022762.5); short protein forms T124fs, P167fs, P89fs.
Identifiers: ClinVar variation 2164637 (VCV002164637.4), dbSNP rs1175039504, ClinGen allele CA2580074076.